The following is an entry in ClinVar:

NM_004304.5(ALK):c.3914T>C (p.Ile1305Thr)

Gene: ALK (ALK receptor tyrosine kinase; minus strand). Cytogenetic location: 2p23.2.
Variant type: single nucleotide variant.
Coding change: c.3914T>C on transcript NM_004304.5 (MANE Select); coding-DNA position 3914, T replaced by C.
Protein change: p.Ile1305Thr; replaces isoleucine 1305 with threonine.
Molecular consequence: missense variant.
Genome position (GRCh38, 1-based): chr2:29,207,195, A>G on the plus strand (T>C on the coding strand, the complement: ALK is on the minus strand). VCF-style: chr2-29207195-A-G. GRCh37 (hg19) VCF-style: chr2-29430061-A-G.
Other names: c.710T>C, p.Ile237Thr (NM_001353765.2); short protein forms I237T, I1305T.
Identifiers: ClinVar variation 2703881 (VCV002703881.3), dbSNP rs2465902604, ClinGen allele CA346468568.

ClinVar aggregate classification (germline): Uncertain significance (1 of 4 stars; one submission).

Conditions:
Neuroblastoma, susceptibility to, 3. Also called: ALK-Related Neuroblastic Tumor Susceptibility. Identifiers: Orphanet 635, MedGen C2751681, MONDO:0013083, OMIM 613014.

Submission:

Labcorp Genetics (formerly Invitae), Labcorp
Classification: Uncertain significance for Neuroblastoma, susceptibility to, 3. Last evaluated: 2023-12-18. Review status: criteria provided, single submitter. Criteria: Invitae Variant Classification Sherloc (09022015). Collection method: clinical testing. Allele origin: germline.
Comment: This sequence change replaces isoleucine, which is neutral and non-polar, with threonine, which is neutral and polar, at codon 1305 of the ALK protein (p.Ile1305Thr). This variant is not present in population databases (gnomAD no frequency). This variant has not been reported in the literature in individuals affected with ALK-related conditions. An algorithm developed to predict the effect of missense changes on protein structure and function (PolyPhen-2) suggests that this variant is likely to be disruptive. In summary, the available evidence is currently insufficient to determine the role of this variant in disease. Therefore, it has been classified as a Variant of Uncertain Significance.